The following is an entry in ClinVar:

ClinVar aggregate classification (germline): Uncertain significance (1 of 4 stars; one submission).

Submission:

Labcorp Genetics (formerly Invitae), Labcorp
Classification: Uncertain significance. Last evaluated: 2025-02-20. Review status: criteria provided, single submitter. Criteria: Invitae Variant Classification Sherloc (09022015). Collection method: clinical testing. Allele origin: germline.
Comment: This sequence change replaces tyrosine, which is neutral and polar, with cysteine, which is neutral and slightly polar, at codon 203 of the CTBP1 protein (p.Tyr203Cys). This variant is not present in population databases (gnomAD no frequency). This variant has not been reported in the literature in individuals affected with CTBP1-related conditions. Invitae Evidence Modeling of protein sequence and biophysical properties (such as structural, functional, and spatial information, amino acid conservation, physicochemical variation, residue mobility, and thermodynamic stability) indicates that this missense variant is not expected to disrupt CTBP1 protein function with a negative predictive value of 80%. In summary, the available evidence is currently insufficient to determine the role of this variant in disease. Therefore, it has been classified as a Variant of Uncertain Significance.

NM_001012614.2(CTBP1):c.575A>G (p.Tyr192Cys)

Genes: CTBP1 (C-terminal binding protein 1; minus strand), CTBP1-AS (CTBP1 antisense RNA; plus strand). Cytogenetic location: 4p16.3.
Variant type: single nucleotide variant.
Coding change: c.575A>G on transcript NM_001012614.2 (MANE Select); coding-DNA position 575, A replaced by G.
Protein change: p.Tyr192Cys; replaces tyrosine 192 with cysteine.
Molecular consequence: missense variant. On other transcripts: non-coding transcript variant (1).
Genome position (GRCh38, 1-based): chr4:1,216,145, T>C on the plus strand (A>G on the coding strand, the complement: CTBP1 is on the minus strand). VCF-style: chr4-1216145-T-C. GRCh37 (hg19) VCF-style: chr4-1209933-T-C.
Other names: c.608A>G, p.Tyr203Cys (NM_001328.3, NM_001377186.1); c.575A>G, p.Tyr192Cys (NM_001377187.1, NM_001377188.1, NM_001377189.1 and 4 more transcripts); short protein forms Y192C, Y203C.
Identifiers: ClinVar variation 4702799 (VCV004702799.1).